The following is an entry in ClinVar:

NM_003361.4(UMOD):c.859T>C (p.Cys287Arg)

Gene: UMOD (uromodulin; minus strand). Cytogenetic location: 16p12.3.
Variant type: single nucleotide variant.
Coding change: c.859T>C on transcript NM_003361.4 (MANE Select); coding-DNA position 859, T replaced by C.
Protein change: p.Cys287Arg; replaces cysteine 287 with arginine.
Molecular consequence: missense variant. On other transcripts: non-coding transcript variant (1).
Genome position (GRCh38, 1-based): chr16:20,348,442, A>G on the plus strand (T>C on the coding strand, the complement: UMOD is on the minus strand). VCF-style: chr16-20348442-A-G. GRCh37 (hg19) VCF-style: chr16-20359764-A-G.
Other names: c.859T>C, p.Cys287Arg (NM_001008389.3, NM_001378232.1, NM_001378233.1 and 3 more transcripts); c.958T>C, p.Cys320Arg (NM_001278614.2); short protein forms C287R, C320R.
Identifiers: ClinVar variation 1708976 (VCV001708976.3), dbSNP rs2507385625, ClinGen allele CA394984055.
Genomic context (GRCh38, chr16:20,348,442, plus strand): 5'-TCTGCAGTGCCTTTCCAGGCCTGGGATGAGGACTGTGGGGAGACTCCGGCTGACCTGTGC[A>G]GTACGCCAGGTGACACTCGGGGGGCGCTGTCAGGTTGTAGACGTAGTAGCCGCCGGCACA-3'
Protein context (NP_003352.2, residues 277-297): TAPPECHLAY[Cys287Arg]TDPSSVEGTC

ClinVar aggregate classification (germline): Uncertain significance. Review status: criteria provided, multiple submitters, no conflicts (2 of 4 stars). 2 submissions from 2 submitters: Uncertain significance (2). Last evaluated 2025-06-22.

Conditions:
Familial juvenile hyperuricemic nephropathy type 1 (ADTKD1). Also called: Uromodulin-associated kidney disease; Autosomal Dominant Tubulointerstitial Kidney Disease – UMOD; UMOD-Associated Kidney Disease; Glomerulocystic kidney disease with hyperuricemia and isosthenuria; Medullary cystic kidney disease 2. Identifiers: Orphanet 209886, Orphanet 34149, Orphanet 88950, MedGen C4551496, MONDO:0008073, OMIM 162000.

Submissions (2):

Labcorp Genetics (formerly Invitae), Labcorp
Classification: Uncertain significance. Last evaluated: 2025-06-22. Review status: criteria provided, single submitter. Criteria: Invitae Variant Classification Sherloc (09022015). Collection method: clinical testing. Allele origin: germline.
Comment: This sequence change replaces cysteine, which is neutral and slightly polar, with arginine, which is basic and polar, at codon 287 of the UMOD protein (p.Cys287Arg). This variant is not present in population databases (gnomAD no frequency). This missense change has been observed in individual(s) with autosomal dominant tubulointerstitial kidney disease (PMID: 32954071). ClinVar contains an entry for this variant (Variation ID: 1708976). Invitae Evidence Modeling of protein sequence and biophysical properties (such as structural, functional, and spatial information, amino acid conservation, physicochemical variation, residue mobility, and thermodynamic stability) indicates that this missense variant is expected to disrupt UMOD protein function with a positive predictive value of 80%. This variant disrupts the p.Cys287 amino acid residue in UMOD. Other variant(s) that disrupt this residue have been observed in individuals with UMOD-related conditions (PMID: 30376835, 32450155, 32954071), which suggests that this may be a clinically significant amino acid residue. In summary, the available evidence is currently insufficient to determine the role of this variant in disease. Therefore, it has been classified as a Variant of Uncertain Significance.

MGZ Medical Genetics Center
Classification: Uncertain significance for Familial juvenile hyperuricemic nephropathy type 1. Last evaluated: 2021-11-22. Review status: criteria provided, single submitter. Criteria: ACMG Guidelines, 2015. Collection method: clinical testing. Allele origin: germline. Affected: yes. Observed: 1 variant allele.
Comment: ACMG criteria applied: PM1, PM2_SUP, PP3, PP4

Literature cited by the submitters: PubMed 32954071 (cited by Labcorp Genetics (formerly Invitae), Labcorp); PubMed 30376835 (cited by Labcorp Genetics (formerly Invitae), Labcorp); PubMed 32450155 (cited by Labcorp Genetics (formerly Invitae), Labcorp).